The following is an entry in ClinVar:

NM_032638.5(GATA2):c.64C>A (p.Pro22Thr)

Gene: GATA2 (GATA binding protein 2; minus strand). Cytogenetic location: 3q21.3.
Variant type: single nucleotide variant.
Coding change: c.64C>A on transcript NM_032638.5 (MANE Select); coding-DNA position 64, C replaced by A.
Protein change: p.Pro22Thr; replaces proline 22 with threonine.
Molecular consequence: missense variant.
Genome position (GRCh38, 1-based): chr3:128,486,968, G>T on the plus strand (C>A on the coding strand, the complement: GATA2 is on the minus strand). VCF-style: chr3-128486968-G-T. GRCh37 (hg19) VCF-style: chr3-128205811-G-T.
Other names: c.64C>A, p.Pro22Thr (NM_001145661.2, NM_001145662.1); c.64C>A (NM_032638.4); short protein forms P22T.
Identifiers: ClinVar variation 800692 (VCV000800692.7), dbSNP rs1172590651, ClinGen allele CA354409091.

ClinVar aggregate classification (germline): Uncertain significance. Review status: criteria provided, multiple submitters, no conflicts (2 of 4 stars). 3 submissions from 3 submitters: Uncertain significance (3). Last evaluated 2026-03-14.

Conditions:
Inborn genetic diseases. Identifiers: MedGen C0950123, MeSH D030342.
Deafness-lymphedema-leukemia syndrome. Also called: Lymphedema, primary, with myelodysplasia; Emberger syndrome. Identifiers: Orphanet 3226, MedGen C3279664, MONDO:0013540, OMIM 614038.
Monocytopenia with susceptibility to infections. Also called: MONOCYTOPENIA AND MYCOBACTERIAL INFECTION SYNDROME; MONOCYTOPENIA WITH SUSCEPTIBILITY TO MYCOBACTERIAL, FUNGAL, AND PAPILLOMAVIRUS INFECTIONS AND MYELODYSPLASIA; COMBINED IMMUNODEFICIENCY WITH SUSCEPTIBILITY TO MYCOBACTERIAL, VIRAL, AND FUNGAL INFECTIONS; Dendritic cell, monocyte, B lymphocyte, and natural killer lymphocyte deficiency; IMMUNODEFICIENCY 21; GATA2 DEFICIENCY. Identifiers: Orphanet 228423, MedGen C3280030, MONDO:0013607, OMIM 614172.

gnomAD v4.1: 1 of 1,611,430 alleles (0.000062%); highest among the groups gnomAD compares: Non-Finnish European, 0.000085%; no homozygotes.

Submissions (3):

Ambry Genetics
Classification: Uncertain significance for Inborn genetic diseases. Last evaluated: 2026-03-14. Review status: criteria provided, single submitter. Criteria: Ambry Variant Classification Scheme 2023. Collection method: clinical testing. Allele origin: germline.
Comment: The p.P22T variant (also known as c.64C>A), located in coding exon 1 of the GATA2 gene, results from a C to A substitution at nucleotide position 64. The proline at codon 22 is replaced by threonine, an amino acid with highly similar properties. This amino acid position is conserved. In addition, this alteration is predicted to be deleterious by in silico analysis. Based on the available evidence, the clinical significance of this variant remains unclear.

Labcorp Genetics (formerly Invitae), Labcorp
Classification: Uncertain significance for Monocytopenia with susceptibility to infections; Deafness-lymphedema-leukemia syndrome. Last evaluated: 2023-08-04. Review status: criteria provided, single submitter. Criteria: Invitae Variant Classification Sherloc (09022015). Collection method: clinical testing. Allele origin: germline.
Comment: In summary, the available evidence is currently insufficient to determine the role of this variant in disease. Therefore, it has been classified as a Variant of Uncertain Significance. Advanced modeling of protein sequence and biophysical properties (such as structural, functional, and spatial information, amino acid conservation, physicochemical variation, residue mobility, and thermodynamic stability) has been performed at Invitae for this missense variant, however the output from this modeling did not meet the statistical confidence thresholds required to predict the impact of this variant on GATA2 protein function. ClinVar contains an entry for this variant (Variation ID: 800692). This variant has not been reported in the literature in individuals affected with GATA2-related conditions. This variant is not present in population databases (gnomAD no frequency). This sequence change replaces proline, which is neutral and non-polar, with threonine, which is neutral and polar, at codon 22 of the GATA2 protein (p.Pro22Thr).

PreventionGenetics, part of Exact Sciences
Classification: Uncertain significance. Last evaluated: 2015-08-20. Review status: criteria provided, single submitter. Criteria: ACMG Guidelines, 2015. Collection method: clinical testing. Allele origin: germline.